The following is an entry in ClinVar:

ClinVar aggregate classification (germline): Uncertain significance. Review status: criteria provided, multiple submitters, no conflicts (2 of 4 stars). 2 submissions from 2 submitters: Uncertain significance (2). Last evaluated 2025-05-06.

Conditions:
Inborn genetic diseases. Identifiers: MedGen C0950123, MeSH D030342.
Fetal akinesia deformation sequence 1 (FADS1). Also called: Fetal akinesia sequence; Pena-Shokeir syndrome type I. Identifiers: Orphanet 994, MedGen C1276035, MONDO:0100101, OMIM 208150, HP:0001989.
Congenital myasthenic syndrome 10. Also called: Myasthenia, limb-girdle, familial. Identifiers: Orphanet 590, MedGen C1850792, MONDO:0009690, OMIM 254300.

Allele frequency attached by ClinVar (database versions not stated): gnomAD exomes below 0.00001; ExAC 0.00001; TOPMed 0.00003; gnomAD 0.00004 and 0.00005.
gnomAD v4.1: 27 of 1,611,576 alleles (0.0017%); highest among the groups gnomAD compares: African/African-American, 0.0067%; no homozygotes.

Submissions (2):

Ambry Genetics
Classification: Uncertain significance for Inborn genetic diseases. Last evaluated: 2025-05-06. Review status: criteria provided, single submitter. Criteria: Ambry Variant Classification Scheme 2023. Collection method: clinical testing. Allele origin: germline.

Labcorp Genetics (formerly Invitae), Labcorp
Classification: Uncertain significance for Congenital myasthenic syndrome 10; Fetal akinesia deformation sequence 1. Last evaluated: 2022-09-01. Review status: criteria provided, single submitter. Criteria: Invitae Variant Classification Sherloc (09022015). Collection method: clinical testing. Allele origin: germline.
Comment: This sequence change replaces threonine, which is neutral and polar, with alanine, which is neutral and non-polar, at codon 407 of the DOK7 protein (p.Thr407Ala). The frequency data for this variant in the population databases is considered unreliable, as metrics indicate poor data quality at this position in the gnomAD database. This variant has not been reported in the literature in individuals affected with DOK7-related conditions. ClinVar contains an entry for this variant (Variation ID: 1382699). Algorithms developed to predict the effect of missense changes on protein structure and function (SIFT, PolyPhen-2, Align-GVGD) all suggest that this variant is likely to be tolerated. In summary, the available evidence is currently insufficient to determine the role of this variant in disease. Therefore, it has been classified as a Variant of Uncertain Significance.

NM_173660.5(DOK7):c.1219A>G (p.Thr407Ala)

Gene: DOK7 (docking protein 7; plus strand). Cytogenetic location: 4p16.3.
Variant type: single nucleotide variant.
Coding change: c.1219A>G on transcript NM_173660.5 (MANE Select); coding-DNA position 1219, A replaced by G.
Protein change: p.Thr407Ala; replaces threonine 407 with alanine.
Molecular consequence: missense variant. On other transcripts: 3 prime UTR variant (1).
Genome position (GRCh38, 1-based): chr4:3,493,205, A>G. VCF-style: chr4-3493205-A-G. GRCh37 (hg19) VCF-style: chr4-3494932-A-G.
Other names: c.1219A>G (NM_173660.4); c.*440A>G (NM_001164673.2); c.289A>G, p.Thr97Ala (NM_001256896.2); c.1219A>G, p.Thr407Ala (NM_001301071.2); c.787A>G, p.Thr263Ala (NM_001363811.2); short protein forms T263A, T97A, T407A.
Identifiers: ClinVar variation 1382699 (VCV001382699.5), dbSNP rs377326004, ClinGen allele CA2829414.
Genomic context (GRCh38, chr4:3,493,205, plus strand): 5'-ACCTGCCTGCCCGGGACAGTCGAGTACCAGGTGCCCACCTCCCTGCGGGCCCACTATGAC[A>G]CACCACGCAGCCTTTGCCTGGCTCCTAGAGACCACAGCCCCCCCTCACAGGGCAGCCCCG-3'
Protein context (NP_775931.3, residues 397-417): VPTSLRAHYD[Thr407Ala]PRSLCLAPRD